The following is an entry in ClinVar:

ClinVar aggregate classification (germline): Uncertain significance. Review status: criteria provided, multiple submitters, no conflicts (2 of 4 stars). 2 submissions from 2 submitters: Uncertain significance (2). Last evaluated 2023-11-02.

Conditions:
Hereditary cancer-predisposing syndrome. Also called: Neoplastic Syndromes, Hereditary; Hereditary Cancer Syndrome; Tumor predisposition; Hereditary neoplastic syndrome. Identifiers: Orphanet 140162, MedGen C0027672, MeSH D009386, MONDO:0015356.

Submissions (2):

Ambry Genetics
Classification: Uncertain significance for Hereditary cancer-predisposing syndrome. Last evaluated: 2023-11-02. Review status: criteria provided, single submitter. Criteria: Ambry Variant Classification Scheme 2023. Collection method: clinical testing. Allele origin: germline.
Comment: The p.C600S variant (also known as c.1799G>C), located in coding exon 17 of the POLE gene, results from a G to C substitution at nucleotide position 1799. The cysteine at codon 600 is replaced by serine, an amino acid with dissimilar properties. This amino acid position is conserved. In addition, the in silico prediction for this alteration is inconclusive. Since supporting evidence is limited at this time, the clinical significance of this alteration remains unclear.

Labcorp Genetics (formerly Invitae), Labcorp
Classification: Uncertain significance. Last evaluated: 2021-10-27. Review status: criteria provided, single submitter. Criteria: Invitae Variant Classification Sherloc (09022015). Collection method: clinical testing. Allele origin: germline.
Comment: In summary, the available evidence is currently insufficient to determine the role of this variant in disease. Therefore, it has been classified as a Variant of Uncertain Significance. Algorithms developed to predict the effect of missense changes on protein structure and function (SIFT, PolyPhen-2, Align-GVGD) all suggest that this variant is likely to be tolerated. ClinVar contains an entry for this variant (Variation ID: 943439). This variant has not been reported in the literature in individuals affected with POLE-related conditions. This variant is not present in population databases (gnomAD no frequency). This sequence change replaces cysteine, a(n) neutral and slightly polar amino acid, with serine, a(n) neutral and polar amino acid, at codon 600 of the POLE protein (p.Cys600Ser).

NM_006231.4(POLE):c.1799G>C (p.Cys600Ser)

Gene: POLE (DNA polymerase epsilon, catalytic subunit; minus strand). Cytogenetic location: 12q24.33.
Variant type: single nucleotide variant.
Coding change: c.1799G>C on transcript NM_006231.4 (MANE Select); coding-DNA position 1799, G replaced by C.
Protein change: p.Cys600Ser; replaces cysteine 600 with serine.
Molecular consequence: missense variant.
Genome position (GRCh38, 1-based): chr12:132,668,935, C>G on the plus strand (G>C on the coding strand, the complement: POLE is on the minus strand). VCF-style: chr12-132668935-C-G. GRCh37 (hg19) VCF-style: chr12-133245521-C-G.
Other names: c.1799G>C (NM_006231.2); short protein forms C600S.
Identifiers: ClinVar variation 943439 (VCV000943439.8), dbSNP rs1565966836, ClinGen allele CA387355644.
Genomic context (GRCh38, chr12:132,668,935, plus strand): 5'-GGACACTCGATGCGGCTGGGAACGTCCTTCAGGGAGGCAAGCTTGCTCTTAATCTCATCA[C>G]ACACCTGCAGAGAAAGCGAAACTCAGTAGAGGCTGGTGACCAAGCTTGCCTCGTGTGCAG-3'
Protein context (NP_006222.2, residues 590-610): VEQVTNFEEV[Cys600Ser]DEIKSKLASL